The following is an entry in ClinVar:

ClinVar aggregate classification (germline): Uncertain significance (1 of 4 stars; one submission).

Allele frequency attached by ClinVar (database versions not stated): gnomAD exomes below 0.00001 and 0.00002; TOPMed below 0.00001; gnomAD 0.00001.
gnomAD v4.1: 29 of 1,562,284 alleles (0.0019%); highest among the groups gnomAD compares: Non-Finnish European, 0.0025%; no homozygotes.

Submission:

Labcorp Genetics (formerly Invitae), Labcorp
Classification: Uncertain significance. Last evaluated: 2025-10-07. Review status: criteria provided, single submitter. Criteria: Invitae Variant Classification Sherloc (09022015). Collection method: clinical testing. Allele origin: germline.
Comment: This sequence change falls in intron 15 of the MME gene. It does not directly change the encoded amino acid sequence of the MME protein. It affects a nucleotide within the consensus splice site. This variant is present in population databases (no rsID available, gnomAD 0.002%). This variant has not been reported in the literature in individuals affected with MME-related conditions. ClinVar contains an entry for this variant (Variation ID: 1414942). Variants that disrupt the consensus splice site are a relatively common cause of aberrant splicing (PMID: 17576681, 9536098). Algorithms developed to predict the effect of sequence changes on RNA splicing suggest that this variant is not likely to affect RNA splicing. In summary, the available evidence is currently insufficient to determine the role of this variant in disease. Therefore, it has been classified as a Variant of Uncertain Significance.

Literature cited by the submitters: PubMed 17576681; PubMed 9536098.

NM_007289.4(MME):c.1497+4A>G

Gene: MME (membrane metalloendopeptidase; plus strand). Cytogenetic location: 3q25.2.
Variant type: single nucleotide variant.
Coding change: c.1497+4A>G on transcript NM_007289.4 (MANE Select); 4 bases into the intron after coding-DNA position 1497, A replaced by G.
Molecular consequence: intron variant.
Genome position (GRCh38, 1-based): chr3:155,147,228, A>G. VCF-style: chr3-155147228-A-G. GRCh37 (hg19) VCF-style: chr3-154865017-A-G.
Other names: c.1497+4A>G (NM_001354642.2, NM_000902.5, NM_007287.4 and 2 more transcripts).
Identifiers: ClinVar variation 1414942 (VCV001414942.5), dbSNP rs1162189434, ClinGen allele CA547026314.